The following is an entry in ClinVar:

NM_004360.5(CDH1):c.261del (p.Arg87fs)

Gene: CDH1 (cadherin 1; plus strand). Cytogenetic location: 16q22.1.
Variant type: Deletion.
Coding change: c.261del on transcript NM_004360.5 (MANE Select); coding-DNA position 261, one base deleted (G; older notation c.261delG).
Protein change: p.Arg87fs; shifts the reading frame from arginine 87.
Molecular consequence: frameshift variant. On other transcripts: 5 prime UTR variant (2).
Genome position (GRCh38, 1-based): chr16:68,801,767, G deleted; the last of 2 consecutive G bases (chr16:68,801,766-68,801,767); deleting either gives the same sequence. VCF-style (leftmost placement, unchanged base first): chr16-68801765-AG-A. GRCh37 (hg19) VCF-style: chr16-68835668-AG-A.
Other names: c.261del (LRG_301t1, NM_004360.3); c.261del, p.Arg87fs (NM_001317184.2); c.-1355del (NM_001317185.2); c.-1559del (NM_001317186.2); short protein forms R87fs.
Identifiers: ClinVar variation 463772 (VCV000463772.18), dbSNP rs1555514429, ClinGen allele CA658658476.

ClinVar aggregate classification (germline): Pathogenic. Review status: reviewed by expert panel (3 of 4 stars). 4 submissions from 4 submitters: Pathogenic (1). 3 of the submissions do not count toward it. Last evaluated 2023-08-04.

Conditions:
CDH1-related diffuse gastric and lobular breast cancer syndrome. Also called: CDH1-related diffuse gastric and lobular breast cancer. Identifiers: MedGen CN311521, MONDO:0100488.
Hereditary cancer-predisposing syndrome. Also called: Hereditary neoplastic syndrome; Neoplastic Syndromes, Hereditary; Tumor predisposition; Hereditary Cancer Syndrome. Identifiers: Orphanet 140162, MedGen C0027672, MeSH D009386, MONDO:0015356.
Hereditary diffuse gastric adenocarcinoma (HDGC). Also called: DIFFUSE GASTRIC AND LOBULAR BREAST CANCER SYNDROME. Identifiers: Orphanet 26106, MedGen C1708349, MONDO:0007648, OMIM 137215.

Submissions (4):

Clingen Gastric Cancer Variant Curation Expert Panel
Classification: Pathogenic for CDH1-related diffuse gastric and lobular breast cancer syndrome. Last evaluated: 2023-08-04. Review status: reviewed by expert panel. Criteria: ClinGen CDH1 ACMG Specifications V3.1. Collection method: curation. Allele origin: germline. Inheritance: Autosomal dominant inheritance.
Comment: The c.261delG p.(Arg87Serfs) variant is predicted to result in a premature stop codon that leads to nonsense mediate decay (PVS1 and PM5_supporting). The variant is absent in the gnomAD cohort (PM2_supporting). Therefore, this variant meets criteria to be classified as pathogenic based on the ACMG/AMP criteria applied as specified by the CDH1 Variant Curation Expert Panel (CDH1 VCEP specifications version 3.1): PVS1, PM2_supporting, PM5_supporting.

Labcorp Genetics (formerly Invitae), Labcorp
Classification: Pathogenic for Hereditary diffuse gastric adenocarcinoma. Last evaluated: 2023-12-12. Review status: criteria provided, single submitter. Criteria: Invitae Variant Classification Sherloc (09022015). Collection method: clinical testing. Allele origin: germline. Not counted in ClinVar's aggregate classification.
Comment: This sequence change creates a premature translational stop signal (p.Arg87Serfs*30) in the CDH1 gene. It is expected to result in an absent or disrupted protein product. Loss-of-function variants in CDH1 are known to be pathogenic (PMID: 15235021, 20373070). This variant is not present in population databases (gnomAD no frequency). This variant has not been reported in the literature in individuals affected with CDH1-related conditions. ClinVar contains an entry for this variant (Variation ID: 463772). For these reasons, this variant has been classified as Pathogenic.

Myriad Genetics, Inc.
Classification: Pathogenic for Hereditary diffuse gastric adenocarcinoma. Last evaluated: 2023-06-08. Review status: criteria provided, single submitter. Criteria: Myriad Autosomal Dominant, Autosomal Recessive and X-Linked Classification Criteria (2023). Collection method: clinical testing. Allele origin: unknown. Not counted in ClinVar's aggregate classification.
Comment: This variant is considered pathogenic. This variant creates a frameshift predicted to result in premature protein truncation.

Ambry Genetics
Classification: Pathogenic for Hereditary cancer-predisposing syndrome. Last evaluated: 2023-04-03. Review status: criteria provided, single submitter. Criteria: Ambry Variant Classification Scheme 2023. Collection method: clinical testing. Allele origin: germline. Not counted in ClinVar's aggregate classification.
Comment: The c.261delG pathogenic mutation, located in coding exon 3 of the CDH1 gene, results from a deletion of one nucleotide at nucleotide position 261, causing a translational frameshift with a predicted alternate stop codon (p.R87Sfs*30). This alteration was identified in multiple individuals diagnosed with lobular breast cancer (Ambry internal data; Gamble LA et al. JAMA Surg, 2022 Jan;157:18-22). This variant is considered to be rare based on population cohorts in the Genome Aggregation Database (gnomAD). In addition to the clinical data presented in the literature, this alteration is expected to result in loss of function by premature protein truncation or nonsense-mediated mRNA decay. As such, this alteration is interpreted as a disease-causing mutation.

Literature cited by the submitters: PubMed 15235021 (cited by Labcorp Genetics (formerly Invitae), Labcorp); PubMed 20373070 (cited by Labcorp Genetics (formerly Invitae), Labcorp); PubMed 34643667 (cited by Ambry Genetics).